The following is an entry in ClinVar:

ClinVar aggregate classification (germline): Uncertain significance (1 of 4 stars; one submission).

Conditions:
LEPR-related disorder. Also called: LEPR-related disorders; LEPR-related condition.

gnomAD v4.1: 3 of 1,603,366 alleles (0.00019%); highest among the groups gnomAD compares: Admixed American, 0.0033%; no homozygotes.

Submission:

PreventionGenetics, part of Exact Sciences
Classification: Uncertain significance for LEPR-related condition. Last evaluated: 2025-03-21. Review status: criteria provided, single submitter. Criteria: ACMG Guidelines, 2015. Collection method: clinical testing. Allele origin: germline.
Comment: The LEPR c.2392C>T variant is predicted to result in the amino acid substitution p.His798Tyr. To our knowledge, this variant has not been reported in the literature or in a large population database (gnomAD), indicating this variant is rare. At this time, the clinical significance of this variant is uncertain due to the absence of conclusive functional and genetic evidence.

NM_002303.6(LEPR):c.2392C>T (p.His798Tyr)

Gene: LEPR (leptin receptor; plus strand). Cytogenetic location: 1p31.3.
Variant type: single nucleotide variant.
Coding change: c.2392C>T on transcript NM_002303.6 (MANE Select); coding-DNA position 2392, C replaced by T.
Protein change: p.His798Tyr; replaces histidine 798 with tyrosine.
Molecular consequence: missense variant.
Genome position (GRCh38, 1-based): chr1:65,618,143, C>T. VCF-style: chr1-65618143-C-T. GRCh37 (hg19) VCF-style: chr1-66083826-C-T.
Other names: c.2392C>T, p.His798Tyr (NM_001003679.3, NM_001003680.3, NM_001198687.2 and 2 more transcripts); short protein forms H798Y.
Identifiers: ClinVar variation 4984331 (VCV004984331.1).